The following is an entry in ClinVar:

NM_006005.3(WFS1):c.757A>T (p.Lys253Ter)

Gene: WFS1 (wolframin ER transmembrane glycoprotein; plus strand). Cytogenetic location: 4p16.1.
Variant type: single nucleotide variant.
Coding change: c.757A>T on transcript NM_006005.3 (MANE Select); coding-DNA position 757, A replaced by T.
Protein change: p.Lys253Ter; replaces lysine 253 with a stop codon.
Molecular consequence: nonsense.
Genome position (GRCh38, 1-based): chr4:6,295,085, A>T. VCF-style: chr4-6295085-A-T. GRCh37 (hg19) VCF-style: chr4-6296812-A-T.
Other names: c.757A>T, p.Lys253Ter (NM_001145853.1); short protein forms K253*.
Identifiers: ClinVar variation 2884002 (VCV002884002.2), dbSNP rs1254261817, ClinGen allele CA356172476.

ClinVar aggregate classification (germline): Pathogenic (1 of 4 stars; one submission).

Allele frequency attached by ClinVar (database versions not stated): TOPMed below 0.00001; gnomAD 0.00001; gnomAD exomes 0.00001.
gnomAD v4.1: 4 of 1,613,438 alleles (0.00025%); highest among the groups gnomAD compares: Non-Finnish European, 0.00034%; no homozygotes.

Submission:

Labcorp Genetics (formerly Invitae), Labcorp
Classification: Pathogenic. Last evaluated: 2024-08-05. Review status: criteria provided, single submitter. Criteria: Invitae Variant Classification Sherloc (09022015). Collection method: clinical testing. Allele origin: germline.
Comment: This sequence change creates a premature translational stop signal (p.Lys253*) in the WFS1 gene. It is expected to result in an absent or disrupted protein product. Loss-of-function variants in WFS1 are known to be pathogenic (PMID: 12955714). This variant is not present in population databases (gnomAD no frequency). This premature translational stop signal has been observed in individual(s) with clinical features of Wolfram syndrome (PMID: 30507261, 33693650). For these reasons, this variant has been classified as Pathogenic.

Literature cited by the submitters: PubMed 12955714; PubMed 30507261; PubMed 33693650.